The following is an entry in ClinVar:

ClinVar aggregate classification (germline): Likely benign. Review status: criteria provided, multiple submitters, no conflicts (2 of 4 stars). 4 submissions from 4 submitters: Likely benign (4). Last evaluated 2026-01-31.

Conditions:
Hereditary cancer-predisposing syndrome. Also called: Tumor predisposition; Neoplastic Syndromes, Hereditary; Hereditary neoplastic syndrome; Hereditary Cancer Syndrome. Identifiers: Orphanet 140162, MedGen C0027672, MeSH D009386, MONDO:0015356.
Familial adenomatous polyposis 2. Also called: COLORECTAL ADENOMATOUS POLYPOSIS, AUTOSOMAL RECESSIVE; MYH-associated polyposis; MUTYH Polyposis; MUTYH-related attenuated familial adenomatous polyposis; Adenomas, multiple colorectal; ADENOMAS, MULTIPLE COLORECTAL, AUTOSOMAL RECESSIVE. Identifiers: Orphanet 220460, Orphanet 247798, MedGen C3272841, MONDO:0012041, OMIM 608456.

Allele frequency attached by ClinVar (database versions not stated): TOPMed 0.00004; gnomAD 0.00005; ExAC 0.00008; gnomAD exomes 0.00008; 1000 Genomes Project 0.00020; 1000 Genomes Project 30x 0.00031.
gnomAD v4.1: 77 of 1,614,230 alleles (0.0048%); highest among the groups gnomAD compares: East Asian, 0.036%; no homozygotes.

Submissions (4):

Labcorp Genetics (formerly Invitae), Labcorp
Classification: Likely benign for Familial adenomatous polyposis 2. Last evaluated: 2026-01-31. Review status: criteria provided, single submitter. Criteria: Invitae Variant Classification Sherloc (09022015). Collection method: clinical testing. Allele origin: germline.

Blueprint Genetics
Classification: Likely benign. Last evaluated: 2024-01-23. Review status: criteria provided, single submitter. Criteria: ACMG Guidelines, 2015. Collection method: clinical testing. Allele origin: germline.

GeneDx
Classification: Likely benign. Last evaluated: 2018-01-16. Review status: criteria provided, single submitter. Criteria: GeneDx Variant Classification (06012015). Collection method: clinical testing. Allele origin: germline. Affected: yes.
Comment: This variant is considered likely benign or benign based on one or more of the following criteria: it is a conservative change, it occurs at a poorly conserved position in the protein, it is predicted to be benign by multiple in silico algorithms, and/or has population frequency not consistent with disease.

Color Diagnostics, LLC DBA Color Health
Classification: Likely benign for Hereditary cancer-predisposing syndrome. Last evaluated: 2016-05-03. Review status: criteria provided, single submitter. Criteria: ACMG Guidelines, 2015. Collection method: clinical testing. Allele origin: germline.

NM_001048174.2(MUTYH):c.1239+13C>T

Gene: MUTYH (mutY DNA glycosylase; minus strand). Cytogenetic location: 1p34.1.
Variant type: single nucleotide variant.
Coding change: c.1239+13C>T on transcript NM_001048174.2 (MANE Select); 13 bases into the intron after coding-DNA position 1239, C replaced by T.
Molecular consequence: intron variant.
Genome position (GRCh38, 1-based): chr1:45,331,407, G>A on the plus strand (C>T on the coding strand, the complement: MUTYH is on the minus strand). VCF-style: chr1-45331407-G-A. GRCh37 (hg19) VCF-style: chr1-45797079-G-A.
Other names: c.894+13C>T (NM_001350651.2, NM_001350650.2); c.963+13C>T (NM_001293192.2, NM_001293196.2); c.1239+13C>T (NM_001048171.2, NM_001048173.2, NM_001293195.2); c.1284+13C>T (NM_001293190.2); c.1314+13C>T (NM_012222.3); c.1323+13C>T (NM_001128425.2); c.1242+13C>T (NM_001048172.2); c.1272+13C>T (NM_001293191.2).
Identifiers: ClinVar variation 387730 (VCV000387730.12), dbSNP rs200643518, ClinGen allele CA055976.
Genomic context (GRCh38, chr1:45,331,407, plus strand): 5'-TCAAGGGGTTCAAATAGGCCTGTGGATATAGCCTCAAAAGCCAACATCCTTGGCTATTCC[G>A]CTGCTCACTTACCTCCCCAAGGTGCCGGAGGTGCGTGGCTGGGAGGGGCCCAGCCCAACG-3'